The following is an entry in ClinVar:

NM_006766.5(KAT6A):c.5586G>A (p.Ala1862=)

Gene: KAT6A (lysine acetyltransferase 6A; minus strand). Cytogenetic location: 8p11.21.
Variant type: single nucleotide variant.
Coding change: c.5586G>A on transcript NM_006766.5 (MANE Select); coding-DNA position 5586, G replaced by A.
Protein change: p.Ala1862=; no amino-acid change (alanine 1862 retained).
Molecular consequence: synonymous variant.
Genome position (GRCh38, 1-based): chr8:41,932,634, C>T on the plus strand (G>A on the coding strand, the complement: KAT6A is on the minus strand). VCF-style: chr8-41932634-C-T. GRCh37 (hg19) VCF-style: chr8-41790152-C-T.
Other names: c.5586G>A (NM_006766.4).
Identifiers: ClinVar variation 1207709 (VCV001207709.10), dbSNP rs199854130, ClinGen allele CA4729282.

ClinVar aggregate classification (germline): Benign/Likely benign. Review status: criteria provided, multiple submitters, no conflicts (2 of 4 stars). 3 submissions from 3 submitters: Benign (1); Likely benign (1). 1 of the submissions does not count toward it. Last evaluated 2025-09-09.

Conditions:
KAT6A-related disorder. Also called: KAT6A-related condition.

Allele frequency attached by ClinVar (database versions not stated): gnomAD 0.00004; TOPMed 0.00004; gnomAD exomes 0.00006 and 0.00017; ExAC 0.00007.
gnomAD v4.1: 245 of 1,613,924 alleles (0.015%); highest among the groups gnomAD compares: Non-Finnish European, 0.02%; no homozygotes.

Submissions (3):

Labcorp Genetics (formerly Invitae), Labcorp
Classification: Benign. Last evaluated: 2025-09-09. Review status: criteria provided, single submitter. Criteria: Invitae Variant Classification Sherloc (09022015). Collection method: clinical testing. Allele origin: germline.

GeneDx
Classification: Likely benign. Last evaluated: 2020-12-22. Review status: criteria provided, single submitter. Criteria: GeneDx Variant Classification Process June 2021. Collection method: clinical testing. Allele origin: germline. Affected: yes.

PreventionGenetics, part of Exact Sciences
Classification: Likely benign for KAT6A-related condition. Last evaluated: 2019-07-12. Review status: no assertion criteria provided. Collection method: clinical testing. Allele origin: germline. Not counted in ClinVar's aggregate classification.
Comment: This variant is classified as likely benign based on ACMG/AMP sequence variant interpretation guidelines (Richards et al. 2015 PMID: 25741868, with internal and published modifications).